The following is an entry in ClinVar:

NM_001244008.2(KIF1A):c.64C>T (p.Arg22Cys)

Gene: KIF1A (kinesin family member 1A; minus strand). Cytogenetic location: 2q37.3.
Variant type: single nucleotide variant.
Coding change: c.64C>T on transcript NM_001244008.2 (MANE Select); coding-DNA position 64, C replaced by T.
Protein change: p.Arg22Cys; replaces arginine 22 with cysteine.
Molecular consequence: missense variant.
Genome position (GRCh38, 1-based): chr2:240,797,689, G>A on the plus strand (C>T on the coding strand, the complement: KIF1A is on the minus strand). VCF-style: chr2-240797689-G-A. GRCh37 (hg19) VCF-style: chr2-241737106-G-A.
Other names: c.64C>T, p.Arg22Cys (NM_001320705.2, NM_001330289.2, NM_001330290.2 and 20 more transcripts); short protein forms R22C.
Identifiers: ClinVar variation 834750 (VCV000834750.10), dbSNP rs767331601, ClinGen allele CA2208919.

ClinVar aggregate classification (germline): Uncertain significance (1 of 4 stars; one submission).

Conditions:
Hereditary spastic paraplegia 30. Identifiers: Orphanet 101010, MedGen C5235139, MONDO:0012476.
Neuropathy, hereditary sensory, type 2C. Also called: Hereditary sensory and autonomic neuropathy type IIC; KIF1A-Related HSAN2 (HSAN2C). Identifiers: Orphanet 970, MedGen C3280168, MONDO:0013634, OMIM 614213.
Intellectual disability, autosomal dominant 9 (NESCAVS). Also called: NESCAV SYNDROME; KIF1A-Related Neurodevelopmental Disorder. Identifiers: Orphanet 662367, MedGen C5393830, MONDO:0013656, OMIM 614255.

Allele frequency attached by ClinVar (database versions not stated): TOPMed below 0.00001; ExAC 0.00001.
gnomAD v4.1: 12 of 1,612,896 alleles (0.00074%); highest among the groups gnomAD compares: East Asian, 0.0022%; no homozygotes.

Submission:

Labcorp Genetics (formerly Invitae), Labcorp
Classification: Uncertain significance for Hereditary spastic paraplegia 30; Neuropathy, hereditary sensory, type 2C; Intellectual disability, autosomal dominant 9. Last evaluated: 2021-05-31. Review status: criteria provided, single submitter. Criteria: Invitae Variant Classification Sherloc (09022015). Collection method: clinical testing. Allele origin: germline.
Comment: This sequence change replaces arginine with cysteine at codon 22 of the KIF1A protein (p.Arg22Cys). The arginine residue is highly conserved and there is a large physicochemical difference between arginine and cysteine. This variant is present in population databases (rs767331601, ExAC 0.002%). This variant has not been reported in the literature in individuals with KIF1A-related conditions. ClinVar contains an entry for this variant (Variation ID: 834750). Algorithms developed to predict the effect of missense changes on protein structure and function are either unavailable or do not agree on the potential impact of this missense change (SIFT: "Deleterious"; PolyPhen-2: "Possibly Damaging"; Align-GVGD: "Class C15"). In summary, the available evidence is currently insufficient to determine the role of this variant in disease. Therefore, it has been classified as a Variant of Uncertain Significance.